The following is an entry in ClinVar:

NM_000135.4(FANCA):c.820C>T (p.Leu274=)

Gene: FANCA (FA complementation group A; minus strand). Cytogenetic location: 16q24.3.
Variant type: single nucleotide variant.
Coding change: c.820C>T on transcript NM_000135.4 (MANE Select); coding-DNA position 820, C replaced by T.
Protein change: p.Leu274=; no amino-acid change (leucine 274 retained).
Molecular consequence: synonymous variant.
Genome position (GRCh38, 1-based): chr16:89,799,611, G>A on the plus strand (C>T on the coding strand, the complement: FANCA is on the minus strand). VCF-style: chr16-89799611-G-A. GRCh37 (hg19) VCF-style: chr16-89866019-G-A.
Other names: c.820C>T, p.Leu274= (NM_001018112.3, NM_001286167.3); c.724C>T, p.Leu242= (NM_001351830.2).
Identifiers: ClinVar variation 974106 (VCV000974106.4), dbSNP rs2040370137, ClinGen allele CA497194946.

ClinVar aggregate classification (germline): Likely benign. Review status: criteria provided, single submitter (1 of 4 stars). 2 submissions from 2 submitters: Likely benign (1). 1 of the submissions does not count toward it. Last evaluated 2023-10-09.

Conditions:
Fanconi anemia (FA). Also called: Fanconi's anemia. Identifiers: Orphanet 84, MedGen C0015625, MeSH D005199, MONDO:0019391.
Fanconi anemia complementation group A (FANCA). Also called: Fanconi anemia, group A; FANCA-Related Fanconi Anemia. Identifiers: Orphanet 84, MedGen C3469521, MONDO:0009215, OMIM 227650.

gnomAD v4.1: 1 of 1,613,296 alleles (0.000062%); highest among the groups gnomAD compares: Non-Finnish European, 0.000085%; no homozygotes.

Submissions (2):

Labcorp Genetics (formerly Invitae), Labcorp
Classification: Likely benign for Fanconi anemia. Last evaluated: 2023-10-09. Review status: criteria provided, single submitter. Criteria: Invitae Variant Classification Sherloc (09022015). Collection method: clinical testing. Allele origin: germline.

Leiden Open Variation Database
Classification: Pathogenic for Fanconi anemia complementation group A. Last evaluated: 2020-02-28. Review status: no assertion criteria provided. Collection method: curation. Allele origin: germline. Affected: yes. Not counted in ClinVar's aggregate classification.
Comment: Curator: Arleen D. Auerbach. Submitter to LOVD: Arleen D. Auerbach.

Literature cited by the submitters: PubMed 21273304 (cited by Leiden Open Variation Database).